The following is an entry in ClinVar:

NM_145886.4(PIDD1):c.2584C>T (p.Arg862Trp)

Gene: PIDD1 (p53-induced death domain protein 1; minus strand). Cytogenetic location: 11p15.5.
Variant type: single nucleotide variant.
Coding change: c.2584C>T on transcript NM_145886.4 (MANE Select); coding-DNA position 2584, C replaced by T.
Protein change: p.Arg862Trp; replaces arginine 862 with tryptophan.
Molecular consequence: missense variant.
Genome position (GRCh38, 1-based): chr11:799,456, G>A on the plus strand (C>T on the coding strand, the complement: PIDD1 is on the minus strand). VCF-style: chr11-799456-G-A. GRCh37 (hg19) VCF-style: chr11-799456-G-A.
Other names: R862W; c.2533C>T, p.Arg845Trp (NM_145887.4); c.2584C>T (NM_145886.3); short protein forms R845W.
Identifiers: ClinVar variation 1686877 (VCV001686877.2), dbSNP rs747620551, ClinGen allele CA5789496.

ClinVar aggregate classification (germline): Pathogenic. Review status: criteria provided, multiple submitters, no conflicts (2 of 4 stars). 3 submissions from 3 submitters: Pathogenic (2). 1 of the submissions does not count toward it. Last evaluated 2025-09-24.

Conditions:
Intellectual developmental disorder, autosomal recessive 75, with neuropsychiatric features and variant lissencephaly (MRT75). Identifiers: MedGen C5676961, MONDO:0030785, OMIM 619827.

Allele frequency attached by ClinVar (database versions not stated): TOPMed 0.00001; gnomAD 0.00002.

Submissions (3):

First Genomix Gene Laboratory, Genetic Diagnostics Department
Classification: Pathogenic for Intellectual developmental disorder, autosomal recessive 75, with neuropsychiatric features and variant lissencephaly. Last evaluated: 2025-09-24. Review status: criteria provided, single submitter. Criteria: ACMG Guidelines, 2015. Collection method: clinical testing. Allele origin: germline. Inheritance: Autosomal recessive inheritance. Affected: no. Observed: 1 variant allele.

GeneDx
Classification: Pathogenic. Last evaluated: 2023-11-16. Review status: criteria provided, single submitter. Criteria: GeneDx Variant Classification Process June 2021. Collection method: clinical testing. Allele origin: germline. Affected: yes.
Comment: Published functional studies demonstrate a damaging effect with impaired complex formation with RAIDD (PMID: 36689811); Not observed at significant frequency in large population cohorts (gnomAD); In silico analysis supports that this missense variant has a deleterious effect on protein structure/function; This variant is associated with the following publications: (PMID: 34163010, 37716905, 36689811)

OMIM
Classification: Pathogenic for INTELLECTUAL DEVELOPMENTAL DISORDER, AUTOSOMAL RECESSIVE 75, WITH NEUROPSYCHIATRIC FEATURES AND VARIANT LISSENCEPHALY. Last evaluated: 2022-04-20. Review status: no assertion criteria provided. Collection method: literature only. Allele origin: germline. Not counted in ClinVar's aggregate classification.

Literature cited by the submitters: PubMed 34163010 (cited by OMIM).